The following is an entry in ClinVar:

NM_000179.3(MSH6):c.1264_1296dup (p.Asp422_Phe432dup)

Gene: MSH6 (mutS homolog 6; plus strand). Cytogenetic location: 2p16.3.
Variant type: Duplication.
Coding change: c.1264_1296dup on transcript NM_000179.3 (MANE Select); coding-DNA positions 1264 to 1296, 33 bases duplicated.
Protein change: p.Asp422_Phe432dup.
Molecular consequence: inframe insertion.
Genome position (GRCh38, 1-based): chr2:47,799,247-47,799,279, 33 bases duplicated; duplicating any 33 consecutive bases within chr2:47,799,244-47,799,279 gives the same sequence; the c. name uses the placement nearest the transcript's 3' end. GRCh37 (hg19): chr2:48,026,386-48,026,418.
Other names: c.874_906dup, p.Asp292_Phe302dup (NM_001281492.2); c.1264_1296dupGATCTTGTCATCTGTTACAAGGTGGGGAAATTT (NM_000179.2); c.358_390dup, p.Asp120_Phe130dup (NM_001281493.2, NM_001281494.2).
Identifiers: ClinVar variation 1392267 (VCV001392267.8), dbSNP rs2104331907, ClinGen allele CA2573134915.

ClinVar aggregate classification (germline): Uncertain significance. Review status: criteria provided, multiple submitters, no conflicts (2 of 4 stars). 2 submissions from 2 submitters: Uncertain significance (2). Last evaluated 2025-11-22.

Conditions:
Hereditary nonpolyposis colorectal neoplasms. Identifiers: MedGen C0009405, MeSH D003123.
Hereditary cancer-predisposing syndrome. Also called: Neoplastic Syndromes, Hereditary; Hereditary neoplastic syndrome; Tumor predisposition; Hereditary Cancer Syndrome. Identifiers: Orphanet 140162, MedGen C0027672, MeSH D009386, MONDO:0015356.

Submissions (2):

Labcorp Genetics (formerly Invitae), Labcorp
Classification: Uncertain significance for Hereditary nonpolyposis colorectal neoplasms. Last evaluated: 2025-11-22. Review status: criteria provided, single submitter. Criteria: Invitae Variant Classification Sherloc (09022015). Collection method: clinical testing. Allele origin: germline.
Comment: This variant, c.1264_1296dup, results in the insertion of 11 amino acid(s) of the MSH6 protein (p.Asp422_Phe432dup), but otherwise preserves the integrity of the reading frame. This variant is not present in population databases (gnomAD no frequency). This variant has not been reported in the literature in individuals affected with MSH6-related conditions. ClinVar contains an entry for this variant (Variation ID: 1392267). In summary, the available evidence is currently insufficient to determine the role of this variant in disease. Therefore, it has been classified as a Variant of Uncertain Significance.

Ambry Genetics
Classification: Uncertain significance for Hereditary cancer-predisposing syndrome. Last evaluated: 2023-05-10. Review status: criteria provided, single submitter. Criteria: Ambry Variant Classification Scheme 2023. Collection method: clinical testing. Allele origin: germline.
Comment: The c.1264_1296dup33 variant (also known as p.D422_F432dup), located in coding exon 4 of the MSH6 gene, results from an in-frame duplication of 33 nucleotides at nucleotide positions 1264 to 1296. This results in the duplication of 11 extra residues (DLVICYKVGKF) between codons 422 and 432. This amino acid region is generally well conserved through mammals. Since supporting evidence is limited at this time, the clinical significance of this alteration remains unclear.